The following is an entry in ClinVar:

NM_000202.8(IDS):c.329G>A (p.Arg110Lys)

Gene: IDS (iduronate 2-sulfatase; minus strand). Cytogenetic location: Xq28.
Variant type: single nucleotide variant.
Coding change: c.329G>A on transcript NM_000202.8 (MANE Select); coding-DNA position 329, G replaced by A.
Protein change: p.Arg110Lys; replaces arginine 110 with lysine.
Molecular consequence: missense variant. On other transcripts: non-coding transcript variant (1).
Genome position (GRCh38, 1-based): chrX:149,503,401, C>T on the plus strand (G>A on the coding strand, the complement: IDS is on the minus strand). VCF-style: chrX-149503401-C-T. GRCh37 (hg19) VCF-style: chrX-148584931-C-T.
Other names: c.59G>A, p.Arg20Lys (NM_001166550.4); c.329G>A, p.Arg110Lys (NM_006123.5); short protein forms R110K, R20K.
Identifiers: ClinVar variation 5036674 (VCV005036674.1).

ClinVar aggregate classification (germline): Pathogenic (1 of 4 stars; one submission).

Conditions:
Mucopolysaccharidosis, MPS-II (MPS2). Also called: I2S deficiency; MPS 2; Hunter Syndrome; IDURONATE 2-SULFATASE DEFICIENCY; Mucopolysaccharidosis Type II; Attenuated MPS (subtype; formerly known as mild MPS II). Identifiers: Orphanet 580, Orphanet 79388, MedGen C0026705, MONDO:0010674, OMIM 309900.

Submission:

Genetics Laboratory, Great Ormond Street Hospital NHS Foundation Trust, North Thames Genomic Laboratory Hub
Classification: Pathogenic for Mucopolysaccharidosis type II. Last evaluated: 2026-08-28. Review status: criteria provided, single submitter. Criteria: ACGS Best Practice Guidelines for Variant Classification in Rare Disease 2024 v1.2. Collection method: clinical testing. Allele origin: germline. Affected: yes.
Comment: PS4_supporting, PM2_moderate, PP3_supporting, PM5_moderate, PP2_supporting, PP4_strong